The following is an entry in ClinVar:

ClinVar aggregate classification (germline): Uncertain significance (1 of 4 stars; one submission).

Conditions:
Familial encephalopathy with neuroserpin inclusion bodies. Also called: ENCEPHALOPATHY, FAMILIAL, WITH COLLINS BODIES. Identifiers: Orphanet 85110, MedGen C1858680, MONDO:0011412, OMIM 604218.

Allele frequency attached by ClinVar (database versions not stated): gnomAD 0.00001; TOPMed 0.00001; ExAC 0.00002; gnomAD exomes 0.00002.
gnomAD v4.1: 29 of 1,613,144 alleles (0.0018%); highest among the groups gnomAD compares: Admixed American, 0.01%; no homozygotes.

Submission:

Labcorp Genetics (formerly Invitae), Labcorp
Classification: Uncertain significance for Familial encephalopathy with neuroserpin inclusion bodies. Last evaluated: 2025-10-27. Review status: criteria provided, single submitter. Criteria: Invitae Variant Classification Sherloc (09022015). Collection method: clinical testing. Allele origin: germline.
Comment: This sequence change replaces valine, which is neutral and non-polar, with isoleucine, which is neutral and non-polar, at codon 288 of the SERPINI1 protein (p.Val288Ile). This variant is present in population databases (rs760906938, gnomAD 0.009%). This variant has not been reported in the literature in individuals affected with SERPINI1-related conditions. ClinVar contains an entry for this variant (Variation ID: 953911). Invitae Evidence Modeling of protein sequence and biophysical properties (such as structural, functional, and spatial information, amino acid conservation, physicochemical variation, residue mobility, and thermodynamic stability) indicates that this missense variant is not expected to disrupt SERPINI1 protein function with a negative predictive value of 80%. In summary, the available evidence is currently insufficient to determine the role of this variant in disease. Therefore, it has been classified as a Variant of Uncertain Significance.

NM_001122752.2(SERPINI1):c.862G>A (p.Val288Ile)

Gene: SERPINI1 (serpin family I member 1; plus strand). Cytogenetic location: 3q26.1.
Variant type: single nucleotide variant.
Coding change: c.862G>A on transcript NM_001122752.2 (MANE Select); coding-DNA position 862, G replaced by A.
Protein change: p.Val288Ile; replaces valine 288 with isoleucine.
Molecular consequence: missense variant.
Genome position (GRCh38, 1-based): chr3:167,794,805, G>A. VCF-style: chr3-167794805-G-A. GRCh37 (hg19) VCF-style: chr3-167512593-G-A.
Other names: c.862G>A, p.Val288Ile (NM_005025.5); short protein forms V288I.
Identifiers: ClinVar variation 953911 (VCV000953911.7), dbSNP rs760906938, ClinGen allele CA2694894.